The following is an entry in ClinVar:

NM_198252.3(GSN):c.286C>T (p.Arg96Cys)

Gene: GSN (gelsolin; plus strand). Cytogenetic location: 9q33.2.
Variant type: single nucleotide variant.
Coding change: c.286C>T on transcript NM_198252.3 (MANE Select); coding-DNA position 286, C replaced by T.
Protein change: p.Arg96Cys; replaces arginine 96 with cysteine.
Molecular consequence: missense variant. On other transcripts: 5 prime UTR variant (1).
Genome position (GRCh38, 1-based): chr9:121,303,000, C>T. VCF-style: chr9-121303000-C-T. GRCh37 (hg19) VCF-style: chr9-124065278-C-T.
Other names: c.439C>T, p.Arg147Cys (NM_000177.5); c.286C>T, p.Arg96Cys (NM_001127662.2, NM_001127664.2, NM_001127665.2 and 10 more transcripts); c.394C>T, p.Arg132Cys (NM_001127663.2); c.319C>T, p.Arg107Cys (NM_001127666.2, NM_001127667.2, NM_001353063.2 and 13 more transcripts); c.337C>T, p.Arg113Cys (NM_001258029.2); c.310C>T, p.Arg104Cys (NM_001258030.2); c.358C>T, p.Arg120Cys (NM_001353076.2); c.-369C>T (NM_001353078.2); short protein forms R104C, R107C, R113C, R120C, R132C, R147C, R96C.
Identifiers: ClinVar variation 1466476 (VCV001466476.9), dbSNP rs866179533, ClinGen allele CA374734211.

ClinVar aggregate classification (germline): Uncertain significance. Review status: criteria provided, multiple submitters, no conflicts (2 of 4 stars). 2 submissions from 2 submitters: Uncertain significance (2). Last evaluated 2025-02-02.

Conditions:
Finnish type amyloidosis. Also called: AMYLOID CRANIAL NEUROPATHY WITH LATTICE CORNEAL DYSTROPHY; AMYLOIDOSIS DUE TO MUTANT GELSOLIN; Amyloidosis, familial, Finnish type; Meretoja type amyloidosis; Amyloidosis 5; Lattice corneal dystrophy associated with familial systemic amyloidosis. Identifiers: Orphanet 85448, MedGen C1622345, MONDO:0007097, OMIM 105120.

Allele frequency attached by ClinVar (database versions not stated): TOPMed below 0.00001; gnomAD exomes 0.00001.

Submissions (2):

Labcorp Genetics (formerly Invitae), Labcorp
Classification: Uncertain significance. Last evaluated: 2025-02-02. Review status: criteria provided, single submitter. Criteria: Invitae Variant Classification Sherloc (09022015). Collection method: clinical testing. Allele origin: germline.
Comment: This sequence change replaces arginine, which is basic and polar, with cysteine, which is neutral and slightly polar, at codon 147 of the GSN protein (p.Arg147Cys). This variant is not present in population databases (gnomAD no frequency). This variant has not been reported in the literature in individuals affected with GSN-related conditions. ClinVar contains an entry for this variant (Variation ID: 1466476). An algorithm developed to predict the effect of missense changes on protein structure and function (PolyPhen-2) suggests that this variant is likely to be disruptive. In summary, the available evidence is currently insufficient to determine the role of this variant in disease. Therefore, it has been classified as a Variant of Uncertain Significance.

Fulgent Genetics
Classification: Uncertain significance for Finnish type amyloidosis. Last evaluated: 2024-06-17. Review status: criteria provided, single submitter. Criteria: ACMG Guidelines, 2015. Collection method: clinical testing. Allele origin: germline.